The following is an entry in ClinVar:

NM_001330260.2(SCN8A):c.3479G>A (p.Cys1160Tyr)

Gene: SCN8A (sodium voltage-gated channel alpha subunit 8; plus strand). Cytogenetic location: 12q13.13.
Variant type: single nucleotide variant.
Coding change: c.3479G>A on transcript NM_001330260.2 (MANE Select); coding-DNA position 3479, G replaced by A.
Protein change: p.Cys1160Tyr; replaces cysteine 1160 with tyrosine.
Molecular consequence: missense variant.
Genome position (GRCh38, 1-based): chr12:51,769,974, G>A. VCF-style: chr12-51769974-G-A. GRCh37 (hg19) VCF-style: chr12-52163758-G-A.
Other names: c.3479G>A, p.Cys1160Tyr (NM_001177984.3, NM_001369788.1, NM_014191.4); short protein forms C1160Y.
Identifiers: ClinVar variation 842889 (VCV000842889.12), dbSNP rs1942899278, ClinGen allele CA384895686.

ClinVar aggregate classification (germline): Uncertain significance (1 of 4 stars; one submission).

Conditions:
Early-infantile DEE. Also called: Ohtahara syndrome; Early infantile epileptic encephalopathy with suppression bursts; Early infantile epileptic encephalopathy. Identifiers: Orphanet 1934, MedGen C0393706, MONDO:0800491.

Submission:

Labcorp Genetics (formerly Invitae), Labcorp
Classification: Uncertain significance for Early-infantile DEE. Last evaluated: 2022-02-03. Review status: criteria provided, single submitter. Criteria: Invitae Variant Classification Sherloc (09022015). Collection method: clinical testing. Allele origin: germline.
Comment: In summary, the available evidence is currently insufficient to determine the role of this variant in disease. Therefore, it has been classified as a Variant of Uncertain Significance. Algorithms developed to predict the effect of missense changes on protein structure and function are either unavailable or do not agree on the potential impact of this missense change (SIFT: "Deleterious"; PolyPhen-2: "Probably Damaging"; Align-GVGD: "Class C0"). ClinVar contains an entry for this variant (Variation ID: 842889). This variant has not been reported in the literature in individuals affected with SCN8A-related conditions. This variant is not present in population databases (gnomAD no frequency). This sequence change replaces cysteine, which is neutral and slightly polar, with tyrosine, which is neutral and polar, at codon 1160 of the SCN8A protein (p.Cys1160Tyr).